The following is an entry in ClinVar:

ClinVar aggregate classification (germline): Likely pathogenic (1 of 4 stars; one submission).

Conditions:
Sandhoff disease. Also called: Beta-hexosaminidase-beta-subunit deficiency; GM2 gangliosidosis, type 2; Total hexosaminidase deficiency; Sandhoff-Jatzkewitz-Pilz disease; GM2-GANGLIOSIDOSIS, TYPE II; HEXOSAMINIDASES A AND B DEFICIENCY. Identifiers: Orphanet 796, MedGen C0036161, MONDO:0010006, OMIM 268800.

Submission:

Labcorp Genetics (formerly Invitae), Labcorp
Classification: Likely pathogenic for Sandhoff disease. Last evaluated: 2020-11-26. Review status: criteria provided, single submitter. Criteria: Invitae Variant Classification Sherloc (09022015). Collection method: clinical testing. Allele origin: germline.
Comment: In summary, the currently available evidence indicates that the variant is pathogenic, but additional data are needed to prove that conclusively. Therefore, this variant has been classified as Likely Pathogenic. Algorithms developed to predict the effect of sequence changes on RNA splicing suggest that this variant may disrupt the consensus splice site, but this prediction has not been confirmed by published transcriptional studies. This variant has not been reported in the literature in individuals with HEXB-related conditions. This variant is not present in population databases (ExAC no frequency). This sequence change affects an acceptor splice site in intron 1 of the HEXB gene. It is expected to disrupt RNA splicing. Variants that disrupt the donor or acceptor splice site typically lead to a loss of protein function (PMID: 16199547), and loss-of-function variants in HEXB are known to be pathogenic (PMID: 7550345, 18758829).

Literature cited by the submitters: PubMed 16199547; PubMed 7550345; PubMed 18758829.

NM_000521.4(HEXB):c.300-1G>C

Gene: HEXB (hexosaminidase subunit beta; plus strand). Cytogenetic location: 5q13.3.
Variant type: single nucleotide variant.
Coding change: c.300-1G>C on transcript NM_000521.4 (MANE Select); the canonical splice acceptor site of the intron before coding-DNA position 300, G replaced by C.
Molecular consequence: splice acceptor variant.
Genome position (GRCh38, 1-based): chr5:74,689,327, G>C. VCF-style: chr5-74689327-G-C. GRCh37 (hg19) VCF-style: chr5-73985152-G-C.
Other names: c.-376-1G>C (NM_001292004.2).
Identifiers: ClinVar variation 1348780 (VCV001348780.8), dbSNP rs967720287, ClinGen allele CA120900626.